The following is an entry in ClinVar:

NM_006514.4(SCN10A):c.4585G>T (p.Ala1529Ser)

Gene: SCN10A (sodium voltage-gated channel alpha subunit 10; minus strand). Cytogenetic location: 3p22.2.
Variant type: single nucleotide variant.
Coding change: c.4585G>T on transcript NM_006514.4 (MANE Select); coding-DNA position 4585, G replaced by T.
Protein change: p.Ala1529Ser; replaces alanine 1529 with serine.
Molecular consequence: missense variant.
Genome position (GRCh38, 1-based): chr3:38,701,911, C>A on the plus strand (G>T on the coding strand, the complement: SCN10A is on the minus strand). VCF-style: chr3-38701911-C-A. GRCh37 (hg19) VCF-style: chr3-38743402-C-A.
Other names: c.4582G>T, p.Ala1528Ser (NM_001293306.2); c.4291G>T, p.Ala1431Ser (NM_001293307.2); short protein forms A1431S, A1528S, A1529S.
Identifiers: ClinVar variation 1014054 (VCV001014054.5), dbSNP rs757916036, ClinGen allele CA352145915.

ClinVar aggregate classification (germline): Uncertain significance (1 of 4 stars; one submission).

Conditions:
Brugada syndrome. Also called: Sudden unexpected nocturnal death syndrome; Sudden Unexplained Death Syndrome; Sudden Unexplained Nocturnal Death Syndrome (SUNDS); Sudden unexplained nocturnal death syndrome. Identifiers: Orphanet 130, MedGen C1142166, MONDO:0015263.

Submission:

Labcorp Genetics (formerly Invitae), Labcorp
Classification: Uncertain significance for Brugada syndrome. Last evaluated: 2020-06-29. Review status: criteria provided, single submitter. Criteria: Invitae Variant Classification Sherloc (09022015). Collection method: clinical testing. Allele origin: germline.
Comment: In summary, the available evidence is currently insufficient to determine the role of this variant in disease. Therefore, it has been classified as a Variant of Uncertain Significance. Algorithms developed to predict the effect of missense changes on protein structure and function are either unavailable or do not agree on the potential impact of this missense change (SIFT: "Deleterious"; PolyPhen-2: "Probably Damaging"; Align-GVGD: "Class C0"). This variant has not been reported in the literature in individuals with SCN10A-related conditions. This variant is not present in population databases (ExAC no frequency). This sequence change replaces alanine with serine at codon 1529 of the SCN10A protein (p.Ala1529Ser). The alanine residue is highly conserved and there is a moderate physicochemical difference between alanine and serine.